The following is an entry in ClinVar:

NM_020686.6(ABAT):c.1018G>A (p.Ala340Thr)

Gene: ABAT (4-aminobutyrate aminotransferase; plus strand). Cytogenetic location: 16p13.2.
Variant type: single nucleotide variant.
Coding change: c.1018G>A on transcript NM_020686.6 (MANE Select); coding-DNA position 1018, G replaced by A.
Protein change: p.Ala340Thr; replaces alanine 340 with threonine.
Molecular consequence: missense variant.
Genome position (GRCh38, 1-based): chr16:8,774,953, G>A. VCF-style: chr16-8774953-G-A. GRCh37 (hg19) VCF-style: chr16-8868810-G-A.
Other names: c.1018G>A, p.Ala340Thr (NM_000663.5, NM_001127448.2, NM_001386600.1 and 6 more transcripts); c.979G>A, p.Ala327Thr (NM_001386605.1); c.955G>A, p.Ala319Thr (NM_001386606.1, NM_001386607.1); c.925G>A, p.Ala309Thr (NM_001386608.1); c.883G>A, p.Ala295Thr (NM_001386610.1, NM_001386611.1); c.820G>A, p.Ala274Thr (NM_001386612.1, NM_001386613.1); c.772G>A, p.Ala258Thr (NM_001386614.1); c.1114G>A, p.Ala372Thr (NM_001386615.1); short protein forms A258T, A274T, A295T, A319T, A372T, A309T, A327T, A340T.
Identifiers: ClinVar variation 1439571 (VCV001439571.6), dbSNP rs2060223213, ClinGen allele CA394689874.

ClinVar aggregate classification (germline): Uncertain significance (1 of 4 stars; one submission).

Conditions:
Gamma-aminobutyric acid transaminase deficiency (GABATD). Also called: GABA aminotransaminase deficiency; GABA transaminase deficiency; Gamma aminobutyrate transaminase deficiency; 4 alpha aminobutyrate transaminase deficiency. Identifiers: Orphanet 2066, MedGen C0342708, MONDO:0013166, OMIM 613163.

Allele frequency attached by ClinVar (database versions not stated): gnomAD exomes below 0.00001; gnomAD 0.00001; TOPMed 0.00001.
gnomAD v4.1: 4 of 1,614,080 alleles (0.00025%); highest among the groups gnomAD compares: Non-Finnish European, 0.00034%; no homozygotes.

Submission:

Labcorp Genetics (formerly Invitae), Labcorp
Classification: Uncertain significance for Gamma-aminobutyric acid transaminase deficiency. Last evaluated: 2021-03-27. Review status: criteria provided, single submitter. Criteria: Invitae Variant Classification Sherloc (09022015). Collection method: clinical testing. Allele origin: germline.
Comment: In summary, the available evidence is currently insufficient to determine the role of this variant in disease. Therefore, it has been classified as a Variant of Uncertain Significance. Algorithms developed to predict the effect of missense changes on protein structure and function are either unavailable or do not agree on the potential impact of this missense change (SIFT: "Deleterious"; PolyPhen-2: "Probably Damaging"; Align-GVGD: "Class C0"). This variant has not been reported in the literature in individuals with ABAT-related conditions. This variant is not present in population databases (ExAC no frequency). This sequence change replaces alanine with threonine at codon 340 of the ABAT protein (p.Ala340Thr). The alanine residue is highly conserved and there is a small physicochemical difference between alanine and threonine.